The following is an entry in ClinVar:

ClinVar aggregate classification (germline): Pathogenic (1 of 4 stars; one submission).

Conditions:
Ehlers-Danlos syndrome, dermatosparaxis type. Also called: EDS VIIC; Dermatosparaxis; Ehlers-Danlos syndrome, type VII, autosomal recessive. Identifiers: Orphanet 1901, MedGen C2700425, MONDO:0009161, OMIM 225410.

Submission:

Myriad Genetics, Inc.
Classification: Pathogenic for Ehlers-Danlos syndrome, dermatosparaxis type. Last evaluated: 2024-05-14. Review status: criteria provided, single submitter. Criteria: Myriad Autosomal Dominant, Autosomal Recessive and X-Linked Classification Criteria (2023). Collection method: clinical testing. Allele origin: unknown.
Comment: NM_014244.4(ADAMTS2):c.76_77ins19(P26Lfs*46) is expected to be pathogenic in the context of Ehlers-Danlos syndrome, ADAMTS2-related. This variant is predicted to lead to an abnormal or absent protein product due to the creation of a premature termination codon in ADAMTS2, a gene where loss-of-function variants are known to be pathogenic. Please note: this variant was assessed in the context of healthy population screening.

NM_014244.5(ADAMTS2):c.76_77insTCTTATACACATCTGTGAT (p.Pro26fs)

Gene: ADAMTS2 (ADAM metallopeptidase with thrombospondin type 1 motif 2; minus strand). Cytogenetic location: 5q35.3.
Variant type: Insertion.
Coding change: c.76_77insTCTTATACACATCTGTGAT on transcript NM_014244.5 (MANE Select); coding-DNA positions 76 to 77, TCTTATACACATCTGTGAT inserted.
Protein change: p.Pro26fs; shifts the reading frame from proline 26.
Molecular consequence: frameshift variant.
Genome position: GRCh38 VCF-style: chr5-179345252-G-GATCACAGATGTGTATAAGA. GRCh37 (hg19) VCF-style: chr5-178772253-G-GATCACAGATGTGTATAAGA.
Other names: c.76_77insTCTTATACACATCTGTGAT, p.Pro26fs (NM_021599.4); short protein forms P26fs.
Identifiers: ClinVar variation 5010522 (VCV005010522.1).